The following is an entry in ClinVar:

ClinVar aggregate classification (germline): Uncertain significance (1 of 4 stars; one submission).

Submission:

GeneDx
Classification: Uncertain significance. Last evaluated: 2022-08-24. Review status: criteria provided, single submitter. Criteria: GeneDx Variant Classification Process June 2021. Collection method: clinical testing. Allele origin: germline. Affected: yes.
Comment: Not observed at significant frequency in large population cohorts (gnomAD); In silico analysis supports that this missense variant has a deleterious effect on protein structure/function; In addition, in silico splice predictors suggest this variant may lead to abnormal gene splicing. In the absence of RNA/functional studies, the actual effect of this sequence change is unknown.; Has not been previously published as pathogenic or benign to our knowledge; Variants in candidate genes are classified as variants of uncertain significance in accordance with ACMG guidelines (Richards et al., 2015)

NM_001128.6(AP1G1):c.2231A>G (p.Asp744Gly)

Gene: AP1G1 (adaptor related protein complex 1 subunit gamma 1; minus strand). Cytogenetic location: 16q22.2.
Variant type: single nucleotide variant.
Coding change: c.2231A>G on transcript NM_001128.6 (MANE Select); coding-DNA position 2231, A replaced by G.
Protein change: p.Asp744Gly; replaces aspartic acid 744 with glycine.
Molecular consequence: missense variant.
Genome position (GRCh38, 1-based): chr16:71,738,979, T>C on the plus strand (A>G on the coding strand, the complement: AP1G1 is on the minus strand). VCF-style: chr16-71738979-T-C. GRCh37 (hg19) VCF-style: chr16-71772882-T-C.
Other names: c.2240A>G, p.Asp747Gly (NM_001030007.2); short protein forms D744G, D747G.
Identifiers: ClinVar variation 3342598 (VCV003342598.1).